The following is an entry in ClinVar:

NM_007194.4(CHEK2):c.962A>C (p.Glu321Ala)

Gene: CHEK2 (checkpoint kinase 2; minus strand). Cytogenetic location: 22q12.1.
Variant type: single nucleotide variant.
Coding change: c.962A>C on transcript NM_007194.4 (MANE Select); coding-DNA position 962, A replaced by C.
Protein change: p.Glu321Ala; replaces glutamic acid 321 with alanine.
Molecular consequence: missense variant.
Genome position (GRCh38, 1-based): chr22:28,699,884, T>G on the plus strand (A>C on the coding strand, the complement: CHEK2 is on the minus strand). VCF-style: chr22-28699884-T-G. GRCh37 (hg19) VCF-style: chr22-29095872-T-G.
Other names: c.299A>C, p.Glu100Ala (NM_001257387.3); c.761A>C, p.Glu254Ala (NM_001349956.3); c.962A>C, p.Glu321Ala (NM_145862.3); c.1091A>C, p.Glu364Ala (NM_001005735.3); short protein forms E321A, E254A, E100A, E364A.
Identifiers: ClinVar variation 232111 (VCV000232111.64), dbSNP rs374395284, ClinGen allele CA10167771.
Genomic context (GRCh38, chr22:28,699,884, plus strand): 5'-AGGGCTTCTTTTACCTGCACAGCCAAGAGCATCTGGTAAAAATAGAGCTTGCAGGTAGCT[T>G]CTTTCAGGCGTTTATTCCCCACCACTTTGTCAAACAGCTCTCCCCCTTCCATCCTGAAAC-3'
Protein context (NP_009125.1, residues 311-331): DKVVGNKRLK[Glu321Ala]ATCKLYFYQM

ClinVar aggregate classification (germline): Uncertain significance. Review status: criteria provided, multiple submitters, no conflicts (2 of 4 stars). 11 submissions from 11 submitters: Uncertain significance (11). Last evaluated 2025-11-30.

Conditions:
CHEK2-related disorder.
Colorectal cancer. Also called: Malignant Colorectal Neoplasm; Colorectal cancer, somatic. Identifiers: MedGen C0346629, MONDO:0005575, OMIM 114500.
Bone osteosarcoma. Also called: Osteosarcoma, somatic. Identifiers: Orphanet 668, MedGen C0585442, MONDO:0002629, OMIM 259500.
Prostate cancer. Also called: Malignant tumor of prostate. Identifiers: Orphanet 1331, MedGen C0376358, MONDO:0008315, HP:0012125.
CHEK2-related cancer predisposition (TPDS4). Also called: TUMOR PREDISPOSITION SYNDROME 4; CANCER PREDISPOSITION SYNDROME, CHEK2-RELATED; CHEK2-related cancer susceptibility. Identifiers: Orphanet 524, MedGen C5882668, MONDO:0700271, OMIM 609265.
Familial cancer of breast. Also called: Hereditary breast cancer; hereditary breast carcinoma; BREAST CANCER, FAMILIAL. Identifiers: Orphanet 227535, MedGen C0346153, MONDO:0016419, OMIM 114480. Disease mechanism: loss of function.
Hereditary cancer-predisposing syndrome. Also called: Neoplastic Syndromes, Hereditary; Hereditary Cancer Syndrome; Tumor predisposition; Hereditary neoplastic syndrome. Identifiers: Orphanet 140162, MedGen C0027672, MeSH D009386, MONDO:0015356.

Allele frequency attached by ClinVar (database versions not stated): ExAC 0.00001; gnomAD exomes 0.00001 and 0.00002; gnomAD 0.00003 and 0.00004; TOPMed 0.00005; ESP Exome Variant Server 0.00008.
gnomAD v4.1: 13 of 1,613,966 alleles (0.00081%); highest among the groups gnomAD compares: Admixed American, 0.017%; no homozygotes.

Submissions (11):

Labcorp Genetics (formerly Invitae), Labcorp
Classification: Uncertain significance for Familial cancer of breast. Last evaluated: 2025-11-30. Review status: criteria provided, single submitter. Criteria: Invitae Variant Classification Sherloc (09022015). Collection method: clinical testing. Allele origin: germline.
Comment: This sequence change replaces glutamic acid, which is acidic and polar, with alanine, which is neutral and non-polar, at codon 321 of the CHEK2 protein (p.Glu321Ala). This variant is present in population databases (rs374395284, gnomAD 0.01%). This missense change has been observed in individual(s) with cancer (PMID: 35264596, 35534704, 38367672). ClinVar contains an entry for this variant (Variation ID: 232111). An algorithm developed to predict the effect of missense changes on protein structure and function (PolyPhen-2) suggests that this variant is likely to be disruptive. Experimental studies are conflicting or provide insufficient evidence to determine the effect of this variant on CHEK2 function (PMID: 37449874, 38367672). In summary, the available evidence is currently insufficient to determine the role of this variant in disease. Therefore, it has been classified as a Variant of Uncertain Significance.

Ambry Genetics
Classification: Uncertain significance for Hereditary cancer-predisposing syndrome. Last evaluated: 2025-11-03. Review status: criteria provided, single submitter. Criteria: Ambry Variant Classification Scheme 2023. Collection method: clinical testing. Allele origin: germline.
Comment: The p.E321A variant (also known as c.962A>C), located in coding exon 8 of the CHEK2 gene, results from an A to C substitution at nucleotide position 962. The glutamic acid at codon 321 is replaced by alanine, an amino acid with dissimilar properties. This alteration was detected in a cohort of 1663 Brazilian breast cancer patients who underwent hereditary multigene panel testing (Guindalini RSC et al. Sci Rep, 2022 Mar;12:4190). This alteration was also reported as functional in a study assessing CHEK2-complementation through quantification of KAP1 phosphorylation and CHK2 autophosphorylation in human RPE1-CHEK2-knockout cells (Stolarova L et al. Clin Cancer Res, 2023 Aug;29:3037-3050). This amino acid position is highly conserved in available vertebrate species. In addition, this alteration is predicted to be deleterious by in silico analysis. Since supporting evidence is limited at this time, the clinical significance of this alteration remains unclear.

PreventionGenetics, part of Exact Sciences
Classification: Uncertain significance for CHEK2-related condition. Last evaluated: 2025-06-16. Review status: criteria provided, single submitter. Criteria: ACMG Guidelines, 2015. Collection method: clinical testing. Allele origin: germline.
Comment: The CHEK2 c.962A>C variant is predicted to result in the amino acid substitution p.Glu321Ala. This variant has been reported in an individual with a personal history of breast cancer and a family history of colorectal cancer (Supplemental Table 3, de Oliveira et al. 2022. PubMed ID: 35534704) and two individuals with breast cancer (Supplemental Table 3, Guindalini et al. 2022. PubMed ID: 35264596). This variant has also been reported to segregate with individuals with papillary thyroid carcinoma and thyroid follicular nodular disease in one family, and showed reduced conformational stability and reduced kinase activity compared to the WT (Pires et al. 2024. PubMed ID: 38367672). This variant is reported in 0.012% of alleles in individuals of Latino descent in gnomAD and is interpreted as uncertain in ClinVar. At this time, the clinical significance of this variant is uncertain due to the absence of conclusive functional and genetic evidence.

Color Diagnostics, LLC DBA Color Health
Classification: Uncertain significance for Hereditary cancer-predisposing syndrome. Last evaluated: 2024-06-14. Review status: criteria provided, single submitter. Criteria: ACMG Guidelines, 2015. Collection method: clinical testing. Allele origin: germline.
Comment: This missense variant replaces glutamic acid with alanine at codon 321 of the CHEK2 protein. Computational prediction is inconclusive regarding the impact of this variant on protein structure and function (internally defined REVEL score threshold 0.5 < inconclusive < 0.7, PMID: 27666373). A functional study has reported that this variant does not impact CHEK2 function in autophosphorylation and phosphorylation of KAP1 (PMID: 37449874). This variant has been reported in individuals affected with breast cancer (PMID: 35264596, 37449874), as well as in an unaffected control individual (PMID: 37449874). This variant has also been observed in individuals in a family affected with familial nonmedullary thyroid cancer (PMID: 38367672). This variant has been identified in 5/251484 chromosomes in the general population by the Genome Aggregation Database (gnomAD). The available evidence is insufficient to determine the role of this variant in disease conclusively. Therefore, this variant is classified as a Variant of Uncertain Significance.

GeneDx
Classification: Uncertain significance. Last evaluated: 2024-05-16. Review status: criteria provided, single submitter. Criteria: GeneDx Variant Classification Process June 2021. Collection method: clinical testing. Allele origin: germline. Affected: yes.
Comment: In silico analysis supports that this missense variant has a deleterious effect on protein structure/function; Not observed at significant frequency in large population cohorts (gnomAD); Also known as c.1091A>C p.(E364A); This variant is associated with the following publications: (PMID: 31398194, 35264596, 19782031, 22419737, 35534704, 38367672)

Department of Pathology and Laboratory Medicine, Sinai Health System
Classification: Uncertain significance for CHEK2-related cancer predisposition. Last evaluated: 2022-09-27. Review status: criteria provided, single submitter. Criteria: ACMG Guidelines, 2015. Collection method: clinical testing. Allele origin: germline. Affected: yes.

Laboratorio de Genetica e Diagnostico Molecular, Hospital Israelita Albert Einstein
Classification: Uncertain significance for CHEK2-related cancer predisposition. Last evaluated: 2022-03-26. Review status: criteria provided, single submitter. Criteria: ACMG Guidelines, 2015. Collection method: clinical testing. Allele origin: germline. Affected: yes. Observed: 1 variant allele.
Comment: ACMG classification criteria: PM2 moderated

Fulgent Genetics
Classification: Uncertain significance for Familial cancer of breast; Colorectal cancer; Familial prostate cancer; Bone osteosarcoma; CHEK2-related cancer predisposition. Last evaluated: 2021-11-10. Review status: criteria provided, single submitter. Criteria: ACMG Guidelines, 2015. Collection method: clinical testing. Allele origin: unknown.

CeGaT Center for Human Genetics Tuebingen
Classification: Uncertain significance. Last evaluated: 2021-11-01. Review status: criteria provided, single submitter. Criteria: CeGaT Center For Human Genetics Tuebingen Variant Classification Criteria Version 2. Collection method: clinical testing. Allele origin: germline. Affected: yes. Observed: 1 variant allele.

Quest Diagnostics Nichols Institute San Juan Capistrano
Classification: Uncertain significance. Last evaluated: 2019-06-20. Review status: criteria provided, single submitter. Criteria: Quest Diagnostics criteria. Collection method: clinical testing. Allele origin: germline.

Mendelics
Classification: Uncertain significance for Familial cancer of breast. Last evaluated: 2018-07-02. Review status: criteria provided, single submitter. Criteria: Mendelics Assertion Criteria 2017. Collection method: clinical testing. Allele origin: unknown.

Literature cited by the submitters: PubMed 35264596 (cited by 3 submitters); PubMed 35534704 (cited by Labcorp Genetics (formerly Invitae), Labcorp); PubMed 38367672 (cited by Labcorp Genetics (formerly Invitae), Labcorp and Color Diagnostics, LLC DBA Color Health); PubMed 37449874 (cited by 3 submitters).